The following is an entry in ClinVar:

ClinVar aggregate classification (germline): Uncertain significance (1 of 4 stars; one submission).

Conditions:
COG7 congenital disorder of glycosylation (CDG2E). Also called: CONGENITAL DISORDER OF GLYCOSYLATION, TYPE IIe; CDG IIe. Identifiers: Orphanet 79333, MedGen C2931010, MONDO:0012118, OMIM 608779.

Submission:

Labcorp Genetics (formerly Invitae), Labcorp
Classification: Uncertain significance for COG7 congenital disorder of glycosylation. Last evaluated: 2024-08-28. Review status: criteria provided, single submitter. Criteria: Invitae Variant Classification Sherloc (09022015). Collection method: clinical testing. Allele origin: germline.
Comment: This sequence change replaces histidine, which is basic and polar, with glutamine, which is neutral and polar, at codon 561 of the COG7 protein (p.His561Gln). This variant is not present in population databases (gnomAD no frequency). This variant has not been reported in the literature in individuals affected with COG7-related conditions. Invitae Evidence Modeling of protein sequence and biophysical properties (such as structural, functional, and spatial information, amino acid conservation, physicochemical variation, residue mobility, and thermodynamic stability) indicates that this missense variant is not expected to disrupt COG7 protein function with a negative predictive value of 80%. In summary, the available evidence is currently insufficient to determine the role of this variant in disease. Therefore, it has been classified as a Variant of Uncertain Significance.

NM_153603.4(COG7):c.1683C>G (p.His561Gln)

Gene: COG7 (component of oligomeric golgi complex 7; minus strand). Cytogenetic location: 16p12.2.
Variant type: single nucleotide variant.
Coding change: c.1683C>G on transcript NM_153603.4 (MANE Select); coding-DNA position 1683, C replaced by G.
Protein change: p.His561Gln; replaces histidine 561 with glutamine.
Molecular consequence: missense variant.
Genome position (GRCh38, 1-based): chr16:23,403,814, G>C on the plus strand (C>G on the coding strand, the complement: COG7 is on the minus strand). VCF-style: chr16-23403814-G-C. GRCh37 (hg19) VCF-style: chr16-23415135-G-C.
Other names: short protein forms H561Q.
Identifiers: ClinVar variation 3663657 (VCV003663657.2).